The following is an entry in ClinVar:

ClinVar aggregate classification (germline): Uncertain significance (1 of 4 stars; one submission).

Submission:

Labcorp Genetics (formerly Invitae), Labcorp
Classification: Uncertain significance. Last evaluated: 2024-08-16. Review status: criteria provided, single submitter. Criteria: Invitae Variant Classification Sherloc (09022015). Collection method: clinical testing. Allele origin: germline.
Comment: This sequence change replaces serine, which is neutral and polar, with phenylalanine, which is neutral and non-polar, at codon 2511 of the MYO18B protein (p.Ser2511Phe). This variant is not present in population databases (gnomAD no frequency). This variant has not been reported in the literature in individuals affected with MYO18B-related conditions. An algorithm developed to predict the effect of missense changes on protein structure and function (PolyPhen-2) suggests that this variant is likely to be disruptive. In summary, the available evidence is currently insufficient to determine the role of this variant in disease. Therefore, it has been classified as a Variant of Uncertain Significance.

NM_032608.7(MYO18B):c.7532C>T (p.Ser2511Phe)

Gene: MYO18B (myosin XVIIIB; plus strand). Cytogenetic location: 22q12.1.
Variant type: single nucleotide variant.
Coding change: c.7532C>T on transcript NM_032608.7 (MANE Select); coding-DNA position 7532, C replaced by T.
Protein change: p.Ser2511Phe; replaces serine 2511 with phenylalanine.
Molecular consequence: missense variant.
Genome position (GRCh38, 1-based): chr22:26,027,506, C>T. VCF-style: chr22-26027506-C-T. GRCh37 (hg19) VCF-style: chr22-26423472-C-T.
Other names: c.7535C>T, p.Ser2512Phe (NM_001318245.2); short protein forms S2511F, S2512F.
Identifiers: ClinVar variation 3662678 (VCV003662678.2).